The following is an entry in ClinVar:

NM_001045.6(SLC6A4):c.1193C>T (p.Ala398Val)

Genes: SLC6A4 (solute carrier family 6 member 4; minus strand), LOC130060631 (ATAC-STARR-seq lymphoblastoid active region 11991; plus strand). Cytogenetic location: 17q11.2.
Variant type: single nucleotide variant.
Coding change: c.1193C>T on transcript NM_001045.6 (MANE Select); coding-DNA position 1193, C replaced by T.
Protein change: p.Ala398Val; replaces alanine 398 with valine.
Molecular consequence: missense variant.
Genome position (GRCh38, 1-based): chr17:30,212,751, G>A on the plus strand (C>T on the coding strand, the complement: SLC6A4 is on the minus strand). VCF-style: chr17-30212751-G-A. GRCh37 (hg19) VCF-style: chr17-28539769-G-A.
Other names: short protein forms A398V.
Identifiers: ClinVar variation 4534376 (VCV004534376.6).
Genomic context (GRCh38, chr17:30,212,751, plus strand): 5'-AAAGCAACTCAGTAGGAGCAAGGGACCTGCATAGAACCCGAGGTCCTACCTGCGTCTTTG[G>A]CCACCTCAGACACATCTTCATTCCTCATCTCAGCCATGTAACCGAGCACTGTGAAGATGA-3'
Protein context (NP_001036.1, residues 388-408): EMRNEDVSEV[Ala398Val]KDAGPSLLFI

ClinVar aggregate classification (germline): Uncertain significance (1 of 4 stars; one submission).

Submission:

CeGaT Center for Human Genetics Tuebingen
Classification: Uncertain significance. Last evaluated: 2025-10-01. Review status: criteria provided, single submitter. Criteria: CeGaT Center For Human Genetics Tuebingen Variant Classification Criteria Version 2. Collection method: clinical testing. Allele origin: germline. Affected: yes. Observed: 1 variant allele.
Comment: SLC6A4: PM2, PS2:Moderate